The following is an entry in ClinVar:

NM_004746.4(DLGAP1):c.957+4506C>T

Gene: DLGAP1 (DLG associated protein 1; minus strand). Cytogenetic location: 18p11.31.
Variant type: single nucleotide variant.
Coding change: c.957+4506C>T on transcript NM_004746.4 (MANE Select); 4506 bases into the intron after coding-DNA position 957, C replaced by T.
Molecular consequence: intron variant.
Genome position (GRCh38, 1-based): chr18:3,874,606, G>A on the plus strand (C>T on the coding strand, the complement: DLGAP1 is on the minus strand). VCF-style: chr18-3874606-G-A. GRCh37 (hg19) VCF-style: chr18-3874606-G-A.
Other names: c.957+4506C>T (NM_001398527.1, NM_001398526.1, NM_001398525.1 and 2 more transcripts); c.93+8C>T (NM_001242762.2, NM_001398533.1, NM_001242763.2 and 4 more transcripts).
Identifiers: ClinVar variation 3033553 (VCV003033553.2), dbSNP rs746166320, ClinGen allele CA295750925.

ClinVar aggregate classification (germline): Likely benign (0 of 4 stars; one submission).

Conditions:
DLGAP1-related disorder. Also called: DLGAP1-related condition.

Allele frequency attached by ClinVar (database versions not stated): gnomAD 0.00005; TOPMed 0.00005; gnomAD exomes 0.00013; 1000 Genomes Project 30x 0.00031.
gnomAD v4.1: 191 of 1,531,390 alleles (0.012%); highest among the groups gnomAD compares: Non-Finnish European, 0.015%; no homozygotes.

Submission:

PreventionGenetics, part of Exact Sciences
Classification: Likely benign for DLGAP1-related condition. Last evaluated: 2019-06-11. Review status: no assertion criteria provided. Collection method: clinical testing. Allele origin: germline.
Comment: This variant is classified as likely benign based on ACMG/AMP sequence variant interpretation guidelines (Richards et al. 2015 PMID: 25741868, with internal and published modifications).